The following is an entry in ClinVar:

NM_024312.5(GNPTAB):c.204-236G>A

Gene: GNPTAB (N-acetylglucosamine-1-phosphate transferase subunits alpha and beta; minus strand). Cytogenetic location: 12q23.2.
Variant type: single nucleotide variant.
Coding change: c.204-236G>A on transcript NM_024312.5 (MANE Select); 236 bases into the intron before coding-DNA position 204, G replaced by A.
Molecular consequence: intron variant.
Genome position (GRCh38, 1-based): chr12:101,790,293, C>T on the plus strand (G>A on the coding strand, the complement: GNPTAB is on the minus strand). VCF-style: chr12-101790293-C-T. GRCh37 (hg19) VCF-style: chr12-102184071-C-T.
Identifiers: ClinVar variation 684061 (VCV000684061.1), dbSNP rs222512, ClinGen allele CA242476612.

ClinVar aggregate classification (germline): Benign (1 of 4 stars; one submission).

Allele frequency attached by ClinVar (database versions not stated): gnomAD 0.97158 and 0.97207; TOPMed 0.97395; 1000 Genomes Project 30x 0.98142; 1000 Genomes Project 0.98243.
gnomAD v4.1: 148,007 of 152,290 alleles (97%); highest among the groups gnomAD compares: East Asian, 100%; 71,956 homozygotes.

Submission:

GeneDx
Classification: Benign. Last evaluated: 2018-06-19. Review status: criteria provided, single submitter. Criteria: GeneDx Variant Classification (06012015). Collection method: clinical testing. Allele origin: germline. Affected: yes.
Comment: This variant is considered likely benign or benign based on one or more of the following criteria: it is a conservative change, it occurs at a poorly conserved position in the protein, it is predicted to be benign by multiple in silico algorithms, and/or has population frequency not consistent with disease.